The following is an entry in ClinVar:

NM_001130438.3(SPTAN1):c.2422G>A (p.Ala808Thr)

Gene: SPTAN1 (spectrin alpha, non-erythrocytic 1; plus strand). Cytogenetic location: 9q34.11.
Variant type: single nucleotide variant.
Coding change: c.2422G>A on transcript NM_001130438.3 (MANE Select); coding-DNA position 2422, G replaced by A.
Protein change: p.Ala808Thr; replaces alanine 808 with threonine.
Molecular consequence: missense variant.
Genome position (GRCh38, 1-based): chr9:128,584,510, G>A. VCF-style: chr9-128584510-G-A. GRCh37 (hg19) VCF-style: chr9-131346789-G-A.
Other names: p.A808T:GCA>ACA; c.2422G>A, p.Ala808Thr (NM_001195532.2, NM_001363759.2, NM_001363765.2 and 1 more transcripts); short protein forms A808T.
Identifiers: ClinVar variation 207327 (VCV000207327.16), dbSNP rs766491965, ClinGen allele CA318686.

ClinVar aggregate classification (germline): Conflicting classifications of pathogenicity. Review status: criteria provided, conflicting classifications (1 of 4 stars). 4 submissions from 4 submitters: Uncertain significance (1); Likely benign (3). Last evaluated 2025-05-18.

Conditions:
Early-infantile DEE. Also called: Ohtahara syndrome; Early infantile epileptic encephalopathy; Early infantile epileptic encephalopathy with suppression bursts. Identifiers: Orphanet 1934, MedGen C0393706, MONDO:0800491.
Inborn genetic diseases. Identifiers: MedGen C0950123, MeSH D030342.
Developmental and epileptic encephalopathy, 5 (DEE5). Identifiers: Orphanet 3451, MedGen C3150731, MONDO:0013277, OMIM 613477.

Allele frequency attached by ClinVar (database versions not stated): ExAC 0.00002; gnomAD exomes 0.00002; gnomAD 0.00005 and 0.00006; TOPMed 0.00006.
gnomAD v4.1: 45 of 1,613,986 alleles (0.0028%); highest among the groups gnomAD compares: African/African-American, 0.015%; no homozygotes.

Submissions (4):

Labcorp Genetics (formerly Invitae), Labcorp
Classification: Uncertain significance for Early-infantile DEE. Last evaluated: 2025-05-18. Review status: criteria provided, single submitter. Criteria: Invitae Variant Classification Sherloc (09022015). Collection method: clinical testing. Allele origin: germline.
Comment: This sequence change replaces alanine, which is neutral and non-polar, with threonine, which is neutral and polar, at codon 808 of the SPTAN1 protein (p.Ala808Thr). This variant is present in population databases (rs766491965, gnomAD 0.02%). This missense change has been observed in individual(s) with clinical features of SPTAN1-related conditions (internal data). ClinVar contains an entry for this variant (Variation ID: 207327). Invitae Evidence Modeling of protein sequence and biophysical properties (such as structural, functional, and spatial information, amino acid conservation, physicochemical variation, residue mobility, and thermodynamic stability) has been performed for this missense variant. However, the output from this modeling did not meet the statistical confidence thresholds required to predict the impact of this variant on SPTAN1 protein function. In summary, the available evidence is currently insufficient to determine the role of this variant in disease. Therefore, it has been classified as a Variant of Uncertain Significance.

Ambry Genetics
Classification: Likely benign for Inborn genetic diseases. Last evaluated: 2021-10-06. Review status: criteria provided, single submitter. Criteria: Ambry Variant Classification Scheme 2023. Collection method: clinical testing. Allele origin: germline.

Genome-Nilou Lab
Classification: Likely benign for Developmental and epileptic encephalopathy, 5. Last evaluated: 2021-07-15. Review status: criteria provided, single submitter. Criteria: ACMG Guidelines, 2015. Collection method: clinical testing. Allele origin: germline. Affected: no.

GeneDx
Classification: Likely benign. Last evaluated: 2020-07-10. Review status: criteria provided, single submitter. Criteria: GeneDx Variant Classification Process June 2021. Collection method: clinical testing. Allele origin: germline. Affected: yes.